The following is an entry in ClinVar:

NM_003239.5(TGFB3):c.516G>A (p.Gln172=)

Gene: TGFB3 (transforming growth factor beta 3; minus strand). Cytogenetic location: 14q24.3.
Variant type: single nucleotide variant.
Coding change: c.516G>A on transcript NM_003239.5 (MANE Select); coding-DNA position 516, G replaced by A.
Protein change: p.Gln172=; no amino-acid change (glutamine 172 retained).
Molecular consequence: synonymous variant.
Genome position (GRCh38, 1-based): chr14:75,971,555, C>T on the plus strand (G>A on the coding strand, the complement: TGFB3 is on the minus strand). VCF-style: chr14-75971555-C-T. GRCh37 (hg19) VCF-style: chr14-76437898-C-T.
Other names: c.516G>A, p.Gln172= (NM_001329938.2, NM_001329939.2).
Identifiers: ClinVar variation 807145 (VCV000807145.43), dbSNP rs1594787985, ClinGen allele CA487191412.

ClinVar aggregate classification (germline): Uncertain significance. Review status: criteria provided, multiple submitters, no conflicts (2 of 4 stars). 2 submissions from 2 submitters: Uncertain significance (2). Last evaluated 2026-01-21.

Conditions:
Rienhoff syndrome. Also called: LOEYS-DIETZ SYNDROME 5. Identifiers: MedGen C3810012, MONDO:0014262, OMIM 615582.

Submissions (2):

Labcorp Genetics (formerly Invitae), Labcorp
Classification: Uncertain significance for Rienhoff syndrome. Last evaluated: 2026-01-21. Review status: criteria provided, single submitter. Criteria: Invitae Variant Classification Sherloc (09022015). Collection method: clinical testing. Allele origin: germline.
Comment: This sequence change affects codon 172 of the TGFB3 mRNA. It is a 'silent' change, meaning that it does not change the encoded amino acid sequence of the TGFB3 protein. This variant also falls at the last nucleotide of exon 2, which is part of the consensus splice site for this exon. This variant is not present in population databases (gnomAD no frequency). This variant has not been reported in the literature in individuals affected with TGFB3-related conditions. ClinVar contains an entry for this variant (Variation ID: 807145). Variants that disrupt the consensus splice site are a relatively common cause of aberrant splicing (PMID: 17576681, 9536098). Algorithms developed to predict the effect of sequence changes on RNA splicing suggest that this variant may disrupt the consensus splice site. In summary, the available evidence is currently insufficient to determine the role of this variant in disease. Therefore, it has been classified as a Variant of Uncertain Significance.

CeGaT Center for Human Genetics Tuebingen
Classification: Uncertain significance. Last evaluated: 2017-06-01. Review status: criteria provided, single submitter. Criteria: CeGaT Center For Human Genetics Tuebingen Variant Classification Criteria Version 2. Collection method: clinical testing. Allele origin: germline. Affected: yes. Observed: 1 variant allele.

Literature cited by the submitters: PubMed 17576681 (cited by Labcorp Genetics (formerly Invitae), Labcorp); PubMed 9536098 (cited by Labcorp Genetics (formerly Invitae), Labcorp).